The following is an entry in ClinVar:

ClinVar aggregate classification (germline): Uncertain significance (1 of 4 stars; one submission).

Allele frequency attached by ClinVar (database versions not stated): TOPMed 0.00001.
gnomAD v4.1: 6 of 1,535,510 alleles (0.00039%); highest among the groups gnomAD compares: Non-Finnish European, 0.00044%; no homozygotes.

Submission:

Labcorp Genetics (formerly Invitae), Labcorp
Classification: Uncertain significance. Last evaluated: 2022-05-04. Review status: criteria provided, single submitter. Criteria: Invitae Variant Classification Sherloc (09022015). Collection method: clinical testing. Allele origin: germline.
Comment: This sequence change replaces valine, which is neutral and non-polar, with phenylalanine, which is neutral and non-polar, at codon 700 of the PDZD7 protein (p.Val700Phe). This variant is not present in population databases (gnomAD no frequency). This variant has not been reported in the literature in individuals affected with PDZD7-related conditions. Algorithms developed to predict the effect of missense changes on protein structure and function are either unavailable or do not agree on the potential impact of this missense change (SIFT: "Tolerated"; PolyPhen-2: "Not Available"; Align-GVGD: "Class C0"). In summary, the available evidence is currently insufficient to determine the role of this variant in disease. Therefore, it has been classified as a Variant of Uncertain Significance.

NM_001195263.2(PDZD7):c.2098G>T (p.Val700Phe)

Gene: PDZD7 (PDZ domain containing 7; minus strand). Cytogenetic location: 10q24.31.
Variant type: single nucleotide variant.
Coding change: c.2098G>T on transcript NM_001195263.2 (MANE Select); coding-DNA position 2098, G replaced by T.
Protein change: p.Val700Phe; replaces valine 700 with phenylalanine.
Molecular consequence: missense variant.
Genome position (GRCh38, 1-based): chr10:101,010,791, C>A on the plus strand (G>T on the coding strand, the complement: PDZD7 is on the minus strand). VCF-style: chr10-101010791-C-A. GRCh37 (hg19) VCF-style: chr10-102770548-C-A.
Other names: short protein forms V700F.
Identifiers: ClinVar variation 1917713 (VCV001917713.2), dbSNP rs897289971, ClinGen allele CA212978882.